The following is an entry in ClinVar:

ClinVar aggregate classification (germline): Conflicting classifications of pathogenicity. Review status: criteria provided, conflicting classifications (1 of 4 stars). 10 submissions from 10 submitters: Uncertain significance (9); Likely benign (1). Last evaluated 2025-12-01.

Conditions:
Hereditary nonpolyposis colorectal neoplasms. Identifiers: MedGen C0009405, MeSH D003123.
Hereditary cancer-predisposing syndrome. Also called: Hereditary Cancer Syndrome; Hereditary neoplastic syndrome; Neoplastic Syndromes, Hereditary; Tumor predisposition. Identifiers: Orphanet 140162, MedGen C0027672, MeSH D009386, MONDO:0015356.
Breast and/or ovarian cancer. Identifiers: MedGen CN221562.
Lynch syndrome. Identifiers: Orphanet 144, MedGen C4552100, MONDO:0005835. Disease mechanism: loss of function.
Endometrial carcinoma. Also called: Endometrial carcinoma, somatic. Identifiers: MedGen C0476089, MONDO:0002447, OMIM 608089, HP:0012114.

Allele frequency attached by ClinVar (database versions not stated): gnomAD 0.00001; TOPMed 0.00006; 1000 Genomes Project 0.00020; 1000 Genomes Project 30x 0.00031.
gnomAD v4.1: 13 of 1,611,110 alleles (0.00081%); highest among the groups gnomAD compares: Admixed American, 0.0084%; no homozygotes.

Submissions (10):

Labcorp Genetics (formerly Invitae), Labcorp
Classification: Likely benign for Hereditary nonpolyposis colorectal neoplasms. Last evaluated: 2025-12-01. Review status: criteria provided, single submitter. Criteria: Invitae Variant Classification Sherloc (09022015). Collection method: clinical testing. Allele origin: germline.

Quest Diagnostics Nichols Institute San Juan Capistrano
Classification: Uncertain significance. Last evaluated: 2025-03-11. Review status: criteria provided, single submitter. Criteria: Quest Diagnostics criteria. Collection method: clinical testing. Allele origin: unknown.
Comment: The MSH6 c.3101G>A (p.Arg1034Gln) variant has been reported in the published literature in an individual with breast cancer (PMID: 25186627 (2015)). Notably, in a large-scale breast cancer association study, the variant was observed in individuals with breast cancer as well as in unaffected controls (PMID: 33471991 (2021), see also LOVD). The frequency of this variant in the general population (Genome Aggregation Database) is uninformative in the assessment of its pathogenicity. Analysis of this variant using bioinformatics tools for the prediction of the effect of amino acid changes on protein structure and function yielded predictions that this variant is damaging. Based on the available information, we are unable to determine the clinical significance of this variant.

Ambry Genetics
Classification: Uncertain significance for Hereditary cancer-predisposing syndrome. Last evaluated: 2024-10-17. Review status: criteria provided, single submitter. Criteria: Ambry Variant Classification Scheme 2023. Collection method: clinical testing. Allele origin: germline.
Comment: The p.R1034Q variant (also known as c.3101G>A), located in coding exon 4 of the MSH6 gene, results from a G to A substitution at nucleotide position 3101. The arginine at codon 1034 is replaced by glutamine, an amino acid with highly similar properties. This amino acid position is highly conserved in available vertebrate species. In addition, this alteration is predicted to be deleterious by in silico analysis. Since supporting evidence is limited at this time, the clinical significance of this alteration remains unclear.

Women's Health and Genetics/Laboratory Corporation of America, LabCorp
Classification: Uncertain significance. Last evaluated: 2024-08-30. Review status: criteria provided, single submitter. Criteria: LabCorp Variant Classification Summary - May 2015. Collection method: clinical testing. Allele origin: germline.
Comment: Variant summary: MSH6 c.3101G>A (p.Arg1034Gln) results in a conservative amino acid change located in the DNA mismatch repair protein MutS, core of the encoded protein sequence. Three of five in-silico tools predict a damaging effect of the variant on protein function. The variant allele was found at a frequency of 2e-05 in 247886 control chromosomes. The available data on variant occurrences in the general population are insufficient to allow any conclusion about variant significance. The variant was observed in a patient with breast cancer (Tung_2015), however this report does not provide any conclusions about association of the variant with Hereditary Nonpolyposis Colorectal Cancer. To our knowledge, no experimental evidence demonstrating an impact on protein function has been reported. The following publications have been ascertained in the context of this evaluation (PMID: 23621914, 25186627). ClinVar contains an entry for this variant (Variation ID: 216310). Based on the evidence outlined above, the variant was classified as uncertain significance.

Baylor Genetics
Classification: Uncertain significance for Endometrial carcinoma. Last evaluated: 2024-03-17. Review status: criteria provided, single submitter. Criteria: ACMG Guidelines, 2015. Collection method: clinical testing. Allele origin: unknown.

All of Us Research Program, National Institutes of Health
Classification: Uncertain significance for Lynch syndrome. Last evaluated: 2023-10-02. Review status: criteria provided, single submitter. Criteria: ACMG Guidelines, 2015. Collection method: clinical testing. Allele origin: germline. Inheritance: Autosomal dominant inheritance. Observed: 3 variant alleles, 3 heterozygotes.
Comment: This missense variant replaces arginine with glutamine at codon 1034 of the MSH6 protein. Computational prediction suggests that this variant may have deleterious impact on protein structure and function (internally defined REVEL score threshold >= 0.7, PMID: 27666373). To our knowledge, functional studies have not been reported for this variant. This variant has not been reported in individuals affected with hereditary cancer in the literature. This variant has been identified in 5/247886 chromosomes in the general population by the Genome Aggregation Database (gnomAD). The available evidence is insufficient to determine the role of this variant in disease conclusively. Therefore, this variant is classified as a Variant of Uncertain Significance.

This study involves interpretation of variants in research participants for the purpose of population health screening. Participant phenotype was not available at the time of variant classification. Additional details can be found in publication PMID: 35346344, PMCID: PMC8962531

GeneDx
Classification: Uncertain significance. Last evaluated: 2023-06-14. Review status: criteria provided, single submitter. Criteria: GeneDx Variant Classification Process June 2021. Collection method: clinical testing. Allele origin: germline. Affected: yes.
Comment: Not observed at significant frequency in large population cohorts (gnomAD); In silico analysis supports that this missense variant has a deleterious effect on protein structure/function; Observed in individuals with breast cancer and an unaffected control (Dorling et al., 2021); This variant is associated with the following publications: (PMID: 33471991, 25186627, 23621914, 36591511, 17531815, 21120944)

CHEO Genetics Diagnostic Laboratory, Children's Hospital of Eastern Ontario
Classification: Uncertain significance for Breast and/or ovarian cancer. Last evaluated: 2023-02-22. Review status: criteria provided, single submitter. Criteria: ACMG Guidelines, 2015. Collection method: clinical testing. Allele origin: germline.

Sema4
Classification: Uncertain significance for Hereditary cancer-predisposing syndrome. Last evaluated: 2021-05-06. Review status: criteria provided, single submitter. Criteria: Sema4 Curation Guidelines. Collection method: curation. Allele origin: germline.
Comment: The MSH6 c.3101G>A (p.R1034Q) variant has been reported in heterozygosity in at least one individual with hereditary breast cancer (PMID: 25186627). This variant has also been reported in 2/60466 breast cancer cases and 1/53461 healthy controls by a large case-control study (PMID: 33471991). It was observed in 4/33788 chromosomes of the Latino subpopulation in the large and broad cohorts of the Genome Aggregation Database (PMID: 32461654). The variant has been reported in ClinVar (Variation ID 216310). In silico tools suggest the impact of the variant on protein function is deleterious, though these predictions have not been confirmed by functional studies. The evidence is insufficient to meet ACMG/AMP criteria for classifying the variant as benign or pathogenic. Thus, the clinical significance of this variant is currently uncertain.

Color Diagnostics, LLC DBA Color Health
Classification: Uncertain significance for Hereditary cancer-predisposing syndrome. Last evaluated: 2020-06-08. Review status: criteria provided, single submitter. Criteria: ACMG Guidelines, 2015. Collection method: clinical testing. Allele origin: germline.
Comment: This missense variant replaces arginine with glutamine at codon 1034 of the MSH6 protein. Computational prediction suggests that this variant may have deleterious impact on protein structure and function (internally defined REVEL score threshold >= 0.7, PMID: 27666373). To our knowledge, functional studies have not been reported for this variant. This variant has not been reported in individuals affected with hereditary cancer in the literature. This variant has been identified in 5/247886 chromosomes in the general population by the Genome Aggregation Database (gnomAD). The available evidence is insufficient to determine the role of this variant in disease conclusively. Therefore, this variant is classified as a Variant of Uncertain Significance.

Literature cited by the submitters: PubMed 33471991 (cited by Quest Diagnostics Nichols Institute San Juan Capistrano and Sema4); PubMed 35954363 (cited by Quest Diagnostics Nichols Institute San Juan Capistrano); PubMed 30723297 (cited by Quest Diagnostics Nichols Institute San Juan Capistrano); PubMed 36591511 (cited by Quest Diagnostics Nichols Institute San Juan Capistrano); PubMed 25186627 (cited by 3 submitters); PubMed 23621914 (cited by Quest Diagnostics Nichols Institute San Juan Capistrano and Women's Health and Genetics/Laboratory Corporation of America, LabCorp).

NM_000179.3(MSH6):c.3101G>A (p.Arg1034Gln)

Gene: MSH6 (mutS homolog 6; plus strand). Cytogenetic location: 2p16.3.
Variant type: single nucleotide variant.
Coding change: c.3101G>A on transcript NM_000179.3 (MANE Select); coding-DNA position 3101, G replaced by A.
Protein change: p.Arg1034Gln; replaces arginine 1034 with glutamine.
Molecular consequence: missense variant.
Genome position (GRCh38, 1-based): chr2:47,801,084, G>A. VCF-style: chr2-47801084-G-A. GRCh37 (hg19) VCF-style: chr2-48028223-G-A.
Other names: c.2711G>A, p.Arg904Gln (NM_001281492.2); c.2195G>A, p.Arg732Gln (NM_001281493.2, NM_001281494.2); short protein forms R1034Q, R904Q, R732Q.
Identifiers: ClinVar variation 216310 (VCV000216310.27), dbSNP rs181727939, ClinGen allele CA070049.